The following is an entry in ClinVar:

ClinVar aggregate classification (germline): Likely pathogenic (1 of 4 stars; one submission).

Conditions:
ABCC2-related disorder. Also called: ABCC2-related condition.

Allele frequency attached by ClinVar (database versions not stated): gnomAD 0.00001; gnomAD exomes 0.00001; ExAC 0.00002; TOPMed 0.00002; 1000 Genomes Project 0.00020; 1000 Genomes Project 30x 0.00031.
gnomAD v4.1: 11 of 1,614,142 alleles (0.00068%); highest among the groups gnomAD compares: East Asian, 0.025%; no homozygotes.

Submission:

PreventionGenetics, part of Exact Sciences
Classification: Likely pathogenic for ABCC2-related condition. Last evaluated: 2026-04-02. Review status: criteria provided, single submitter. Criteria: ACMG Guidelines, 2015. Collection method: clinical testing. Allele origin: germline.
Comment: The ABCC2 c.338T>C variant is predicted to result in the amino acid substitution p.Leu113Pro. This variant has been reported in the homozygous or heterozygous state with a second ABCC2 variant in individuals with Dubin-Johnson syndrome, where in at least one case this variant was observed in compound heterozygosity with a pathogenic variant (Liu et al. 2023. PubMed ID: 36406324; Xu et al. 2025. PubMed ID: 40528592) and was also observed in the homozygous state in an individual with neonatal jaundice (Table S1, Xiao et al. 2022. PubMed ID: 35851034). At PreventionGenetics this variant was detected along with a pathogenic ABCC2 variant in two individuals with cholestasis (internal data). This variant is reported in 0.070% of alleles in individuals of East Asian descent in gnomAD. This variant is interpreted as likely pathogenic.

NM_000392.5(ABCC2):c.338T>C (p.Leu113Pro)

Gene: ABCC2 (ATP binding cassette subfamily C member 2; plus strand). Cytogenetic location: 10q24.2.
Variant type: single nucleotide variant.
Coding change: c.338T>C on transcript NM_000392.5 (MANE Select); coding-DNA position 338, T replaced by C.
Protein change: p.Leu113Pro; replaces leucine 113 with proline.
Molecular consequence: missense variant.
Genome position (GRCh38, 1-based): chr10:99,793,555, T>C. VCF-style: chr10-99793555-T-C. GRCh37 (hg19) VCF-style: chr10-101553312-T-C.
Other names: short protein forms L113P.
Identifiers: ClinVar variation 3055209 (VCV003055209.3), dbSNP rs200755148, ClinGen allele CA5642864.